The following is an entry in ClinVar:

NM_001134407.3(GRIN2A):c.2635AAG[2] (p.Lys881del)

Gene: GRIN2A (glutamate ionotropic receptor NMDA type subunit 2A; minus strand). Cytogenetic location: 16p13.2.
Variant type: Microsatellite.
Coding change: c.2635AAG[2] on transcript NM_001134407.3 (MANE Select); two copies in a row of the 3-base unit AAG starting at c.2635; the reference has three copies in a row; one copy, 3 bases deleted.
Protein change: p.Lys881del; deletes lysine 881.
Molecular consequence: inframe deletion.
Genome position (GRCh38, 1-based): chr16:9,764,901-9,764,903, CTT deleted on the plus strand (AAG on the coding strand, the reverse complement: GRIN2A is on the minus strand); deleting any 3 consecutive bases within chr16:9,764,901-9,764,909 gives the same sequence; the position shown is the placement nearest the transcript's 3' end. VCF-style (leftmost placement, unchanged base first): chr16-9764900-ACTT-A. GRCh37 (hg19) VCF-style: chr16-9858757-ACTT-A.
Other names: c.2641_2643del (NM_000833.5); c.2635AAG[2], p.Lys881del (NM_000833.5, NM_001134408.2); short protein forms K881del.
Identifiers: ClinVar variation 661447 (VCV000661447.14), dbSNP rs766019656, ClinGen allele CA7896453.

ClinVar aggregate classification (germline): Uncertain significance. Review status: criteria provided, multiple submitters, no conflicts (2 of 4 stars). 3 submissions from 3 submitters: Uncertain significance (3). Last evaluated 2025-12-17.

Conditions:
Landau-Kleffner syndrome (FESD). Also called: EPILEPSY, FOCAL, WITH SPEECH DISORDER AND WITH OR WITHOUT MENTAL RETARDATION; APHASIA, ACQUIRED, WITH EPILEPSY. Identifiers: Orphanet 1945, Orphanet 725, Orphanet 98818, MedGen C0282512, MONDO:0009509, OMIM 245570.
Inborn genetic diseases. Identifiers: MedGen C0950123, MeSH D030342.

Submissions (3):

Labcorp Genetics (formerly Invitae), Labcorp
Classification: Uncertain significance for Landau-Kleffner syndrome. Last evaluated: 2025-12-17. Review status: criteria provided, single submitter. Criteria: Invitae Variant Classification Sherloc (09022015). Collection method: clinical testing. Allele origin: germline.
Comment: This variant, c.2641_2643del, results in the deletion of 1 amino acid(s) of the GRIN2A protein (p.Lys881del), but otherwise preserves the integrity of the reading frame. This variant is present in population databases (rs766019656, gnomAD 0.002%). This variant has not been reported in the literature in individuals affected with GRIN2A-related conditions. Experimental studies and prediction algorithms are not available or were not evaluated, and the functional significance of this variant is currently unknown. In summary, the available evidence is currently insufficient to determine the role of this variant in disease. Therefore, it has been classified as a Variant of Uncertain Significance.

Revvity Omics, Revvity
Classification: Uncertain significance for Landau-Kleffner syndrome. Last evaluated: 2022-05-31. Review status: criteria provided, single submitter. Criteria: ACMG Guidelines, 2015. Collection method: clinical testing. Allele origin: germline.

Ambry Genetics
Classification: Uncertain significance for Inborn genetic diseases. Last evaluated: 2019-06-14. Review status: criteria provided, single submitter. Criteria: Ambry Variant Classification Scheme 2023. Collection method: clinical testing. Allele origin: germline.
Comment: The c.2641_2643delAAG variant (also known as p.K881del) is located in coding exon 12 of the GRIN2A gene. This variant results from an in-frame AAG deletion at nucleotide positions 2641 to 2643. This results in the in-frame deletion of a lysine at codon 881. This amino acid position is highly conserved in available vertebrate species. In addition, this alteration is predicted to be neutral by in silico analysis (Choi Y et al., PLoS ONE 2012; 7(10):e46688). Since supporting evidence is limited at this time, the clinical significance of this alteration remains unclear.